The following is an entry in ClinVar:

NM_017841.4(SDHAF2):c.304C>G (p.Leu102Val)

Gene: SDHAF2 (succinate dehydrogenase complex assembly factor 2; plus strand). Cytogenetic location: 11q12.2.
Variant type: single nucleotide variant.
Coding change: c.304C>G on transcript NM_017841.4 (MANE Select); coding-DNA position 304, C replaced by G.
Protein change: p.Leu102Val; replaces leucine 102 with valine.
Molecular consequence: missense variant.
Genome position (GRCh38, 1-based): chr11:61,438,047, C>G. VCF-style: chr11-61438047-C-G. GRCh37 (hg19) VCF-style: chr11-61205519-C-G.
Other names: short protein forms L102V.
Identifiers: ClinVar variation 5029249 (VCV005029249.1).

ClinVar aggregate classification (germline): Uncertain significance (1 of 4 stars; one submission).

Conditions:
Hereditary cancer-predisposing syndrome. Also called: Neoplastic Syndromes, Hereditary; Tumor predisposition; Hereditary neoplastic syndrome; Hereditary Cancer Syndrome. Identifiers: Orphanet 140162, MedGen C0027672, MeSH D009386, MONDO:0015356.

Submission:

Ambry Genetics
Classification: Uncertain significance for Hereditary cancer-predisposing syndrome. Last evaluated: 2026-08-18. Review status: criteria provided, single submitter. Criteria: Ambry Variant Classification Scheme 2023. Collection method: clinical testing. Allele origin: germline.
Comment: The p.L102V variant (also known as c.304C>G), located in coding exon 3 of the SDHAF2 gene, results from a C to G substitution at nucleotide position 304. The leucine at codon 102 is replaced by valine, an amino acid with highly similar properties. This amino acid position is conserved. In addition, the in silico prediction for this alteration is inconclusive. Based on the available evidence, the clinical significance of this variant remains unclear.